The following is an entry in ClinVar:

ClinVar aggregate classification (germline): Uncertain significance (1 of 4 stars; one submission).

Conditions:
Familial adenomatous polyposis 1 (FAP1). Also called: FAMILIAL ADENOMATOUS POLYPOSIS 1, ATTENUATED; POLYPOSIS, ADENOMATOUS INTESTINAL. Identifiers: MedGen C2713442, MONDO:0021056, OMIM 175100. Disease mechanism: loss of function.

Allele frequency attached by ClinVar (database versions not stated): gnomAD exomes below 0.00001.
gnomAD v4.1: 1 of 1,370,588 alleles (0.000073%); highest among the groups gnomAD compares: Admixed American, 0.0022%; no homozygotes.

Submission:

Labcorp Genetics (formerly Invitae), Labcorp
Classification: Uncertain significance for Familial adenomatous polyposis 1. Last evaluated: 2022-08-20. Review status: criteria provided, single submitter. Criteria: Invitae Variant Classification Sherloc (09022015). Collection method: clinical testing. Allele origin: germline.
Comment: This variant occurs in a non-coding region of the APC gene. It does not change the encoded amino acid sequence of the APC protein. This variant is not present in population databases (gnomAD no frequency). This variant has not been reported in the literature in individuals affected with APC-related conditions. ClinVar contains an entry for this variant (Variation ID: 537659). Experimental studies and prediction algorithms are not available or were not evaluated, and the functional significance of this variant is currently unknown. In summary, the available evidence is currently insufficient to determine the role of this variant in disease. Therefore, it has been classified as a Variant of Uncertain Significance.

NM_001127511.3(APC):c.-18C>G

Gene: APC (APC regulator of Wnt signaling pathway; plus strand). Cytogenetic location: 5q22.2.
Variant type: single nucleotide variant.
Coding change: c.-18C>G on transcript NM_001127511.3; 18 bases upstream of the start codon, C replaced by G.
Molecular consequence: 5 prime UTR variant. On other transcripts: non-coding transcript variant (1), intron variant (5).
Genome position (GRCh38, 1-based): chr5:112,707,700, C>G. VCF-style: chr5-112707700-C-G. GRCh37 (hg19) VCF-style: chr5-112043397-C-G.
Other names: c.-201C>G (NM_001354895.2, NM_001407447.1, NM_001407452.1 and 3 more transcripts); c.-18C>G (NM_001354897.2, NM_001354902.2, NM_001407446.1); c.-1236C>G (NM_001407470.1, NM_001407472.1); c.-19+51C>G (NM_001407448.1, NM_001407450.1, NM_001407457.1 and 1 more transcripts); c.-43+51C>G (NM_001407453.1).
Identifiers: ClinVar variation 537659 (VCV000537659.9), dbSNP rs1357561329, ClinGen allele CA658796617.